The following is an entry in ClinVar:

ClinVar aggregate classification (germline): Conflicting classifications of pathogenicity. Review status: criteria provided, conflicting classifications (1 of 4 stars). 14 submissions from 10 submitters: Uncertain significance (7); Benign (2); Likely benign (5). Last evaluated 2026-03-27.

Conditions:
TTN-related disorder. Also called: TTN-related disorders; TTN-related condition; TTN-related disease.
Dilated cardiomyopathy 1G (CMD1G). Identifiers: Orphanet 154, MedGen C1858763, MONDO:0011400, OMIM 604145.
Autosomal recessive limb-girdle muscular dystrophy type 2J (LGMDR10). Also called: Limb-girdle muscular dystrophy, type 2J; MUSCULAR DYSTROPHY, LIMB-GIRDLE, AUTOSOMAL RECESSIVE 10. Identifiers: Orphanet 140922, MedGen C1837342, MONDO:0012127, OMIM 608807.
Cardiomyopathy (CMYO). Also called: Cardiomyopathies. Identifiers: Orphanet 167848, MedGen C0878544, MONDO:0004994, HP:0001638. Inheritance: Various modes of inheritance.
Myopathy, myofibrillar, 9, with early respiratory failure (MFM9). Also called: Hereditary myopathy with early respiratory failure; MYOPATHY, PROXIMAL, WITH EARLY RESPIRATORY MUSCLE INVOLVEMENT; EDSTROM MYOPATHY; Myopathy, distal, with early respiratory failure, autosomal dominant. Identifiers: Orphanet 178464, Orphanet 34521, MedGen C1863599, MONDO:0011362, OMIM 603689.
Tibial muscular dystrophy (TMD). Also called: UDD MYOPATHY; Tibial muscular dystrophy, tardive; Udd Distal Myopathy – Tibial Muscular Dystrophy. Identifiers: Orphanet 609, MedGen C1838244, MONDO:0010870, OMIM 600334.
Early-onset myopathy with fatal cardiomyopathy (CMYO5). Also called: CONGENITAL MYOPATHY 5 WITH CARDIOMYOPATHY; Salih Myopathy. Identifiers: Orphanet 289377, MedGen C2673677, MONDO:0012714, OMIM 611705. Disease mechanism: loss of function.

Allele frequency attached by ClinVar (database versions not stated): gnomAD exomes 0.00012 and 0.00028; gnomAD 0.00017 and 0.00018; TOPMed 0.00021; ExAC 0.00026.
gnomAD v4.1: 234 of 1,612,204 alleles (0.015%); highest among the groups gnomAD compares: Admixed American, 0.028%; no homozygotes.

Submissions (14):

Molecular Diagnostic Laboratory for Inherited Cardiovascular Disease, Montreal Heart Institute
Classification: Likely benign. Last evaluated: 2026-03-27. Review status: criteria provided, single submitter. Criteria: ACMG Guidelines, 2015. Collection method: clinical testing. Allele origin: germline. Affected: no.

PreventionGenetics, part of Exact Sciences
Classification: Likely benign for TTN-related condition. Last evaluated: 2025-04-16. Review status: criteria provided, single submitter. Criteria: ACMG Guidelines, 2015. Collection method: clinical testing. Allele origin: germline.
Comment: This variant is classified as likely benign based on ACMG/AMP sequence variant interpretation guidelines (Richards et al. 2015 PMID: 25741868, with internal and published modifications).

CeGaT Center for Human Genetics Tuebingen
Classification: Likely benign. Last evaluated: 2025-01-01. Review status: criteria provided, single submitter. Criteria: CeGaT Center For Human Genetics Tuebingen Variant Classification Criteria Version 2. Collection method: clinical testing. Allele origin: germline. Affected: yes. Observed: 1 variant allele.
Comment: TTN: BP4

Women's Health and Genetics/Laboratory Corporation of America, LabCorp
Classification: Uncertain significance. Last evaluated: 2019-11-05. Review status: criteria provided, single submitter. Criteria: LabCorp Variant Classification Summary - May 2015. Collection method: clinical testing. Allele origin: germline.
Comment: Variant summary: TTN c.29221C>T (p.Arg9741Trp) results in a non-conservative amino acid change located in the I-band region of the encoded protein sequence. Two of four in-silico tools predict a benign effect of the variant on protein function. The variant allele was found at a frequency of 0.00028 in 248278 control chromosomes. This frequency is not significantly higher than expected for a pathogenic variant in TTN causing Cardiomyopathy (0.00028 vs 0.00063), allowing no conclusion about variant significance. c.29221C>T has been reported in the literature in an individual affected with HCM (Mademont-Soler_2017). This report does not provide unequivocal conclusions about association of the variant with Cardiomyopathy. Co-occurrence with another pathogenic variant has been internally reported ( RYR2 c.1258C>T , p.Arg420Trp), providing supporting evidence for a benign role. To our knowledge, no experimental evidence demonstrating an impact on protein function has been reported. Three clinical diagnostic laboratories have submitted clinical-significance assessments for this variant to ClinVar after 2014 without evidence for independent evaluation. Two classified as likely benign while one classified as VUS. Based on the evidence outlined above, the variant was classified as uncertain significance.

GeneDx
Classification: Likely benign. Last evaluated: 2019-06-10. Review status: criteria provided, single submitter. Criteria: GeneDx Variant Classification Process June 2021. Collection method: clinical testing. Allele origin: germline. Affected: yes.
Comment: This variant is associated with the following publications: (PMID: 23861362, 28771489)

Illumina Laboratory Services, Illumina
Classification: Uncertain significance for Early-onset myopathy with fatal cardiomyopathy. Last evaluated: 2018-01-13. Review status: criteria provided, single submitter. Criteria: ICSL Variant Classification Criteria 13 December 2019. Collection method: clinical testing. Allele origin: germline.

Illumina Laboratory Services, Illumina
Classification: Benign for Tibial muscular dystrophy. Last evaluated: 2018-01-13. Review status: criteria provided, single submitter. Criteria: ICSL Variant Classification Criteria 13 December 2019. Collection method: clinical testing. Allele origin: germline.
Comment: This variant was observed in the ICSL laboratory as part of a predisposition screen in an ostensibly healthy population. It had not been previously curated by ICSL or reported in the Human Gene Mutation Database (HGMD: prior to June 1st, 2018), and was therefore a candidate for classification through an automated scoring system. Utilizing variant allele frequency, disease prevalence and penetrance estimates, and inheritance mode, an automated score was calculated to assess if this variant is too frequent to cause the disease. Based on the score and internal cut-off values, a variant classified as benign is not then subjected to further curation. The score for this variant resulted in a classification of benign for this disease.

Illumina Laboratory Services, Illumina
Classification: Uncertain significance for Autosomal recessive limb-girdle muscular dystrophy type 2J. Last evaluated: 2018-01-13. Review status: criteria provided, single submitter. Criteria: ICSL Variant Classification Criteria 13 December 2019. Collection method: clinical testing. Allele origin: germline.

Illumina Laboratory Services, Illumina
Classification: Uncertain significance for Dilated cardiomyopathy 1G. Last evaluated: 2018-01-13. Review status: criteria provided, single submitter. Criteria: ICSL Variant Classification Criteria 13 December 2019. Collection method: clinical testing. Allele origin: germline.

Illumina Laboratory Services, Illumina
Classification: Benign for Myopathy, myofibrillar, 9, with early respiratory failure. Last evaluated: 2018-01-13. Review status: criteria provided, single submitter. Criteria: ICSL Variant Classification Criteria 13 December 2019. Collection method: clinical testing. Allele origin: germline.
Comment: the same text as in the submission from Illumina Laboratory Services, Illumina above.

Labcorp Genetics (formerly Invitae), Labcorp
Classification: Likely benign for Dilated cardiomyopathy 1G; Autosomal recessive limb-girdle muscular dystrophy type 2J. Last evaluated: 2017-10-16. Review status: criteria provided, single submitter. Criteria: Invitae Variant Classification Sherloc (09022015). Collection method: clinical testing. Allele origin: germline.

CHEO Genetics Diagnostic Laboratory, Children's Hospital of Eastern Ontario
Classification: Uncertain significance for Cardiomyopathy. Last evaluated: 2017-04-06. Review status: criteria provided, single submitter. Criteria: ACMG Guidelines, 2015. Collection method: clinical testing. Allele origin: germline. Study: Canadian Open Genetics Repository.

Laboratory for Molecular Medicine, Mass General Brigham Personalized Medicine
Classification: Uncertain significance. Last evaluated: 2014-07-16. Review status: criteria provided, single submitter. Criteria: LMM Criteria. Collection method: clinical testing. Allele origin: germline. Observed: 1 variant allele.
Comment: The Arg9741Trp variant in TTN has not been previously reported in individuals wi th cardiomyopathy, but has been identified in 1/587 of European chromosomes by t he ClinSeq project (dbSNP rs201991864). Arginine (Arg) at position 9741 is not w ell conserved in evolution, decreasing the likelihood that a change would be pat hogenic. In summary, the clinical significance of the Arg9741Trp variant is unce rtain.

Biesecker Lab/Clinical Genomics Section, National Institutes of Health
Classification: Uncertain significance. Last evaluated: 2013-06-24. Review status: criteria provided, single submitter. Criteria: Ng et al. (Circ Cardiovasc Genet. 2013). Collection method: research. Allele origin: unknown. Observed: 1 variant allele. Study: ClinSeq.
Comment: The study set was not selected for affection status in relation to any cancer. Pathogenicity categories were based on literature curation. See Pubmed ID:23861362 for details.

Medical sequencing

Literature cited by the submitters: PubMed 23861362 (cited by Women's Health and Genetics/Laboratory Corporation of America, LabCorp); PubMed 28771489 (cited by Women's Health and Genetics/Laboratory Corporation of America, LabCorp).

NM_001267550.2(TTN):c.32953C>T (p.Arg10985Trp)

Gene: TTN (titin; minus strand). Cytogenetic location: 2q31.2.
Variant type: single nucleotide variant.
Coding change: c.32953C>T on transcript NM_001267550.2 (MANE Select); coding-DNA position 32953, C replaced by T.
Protein change: p.Arg10985Trp; replaces arginine 10985 with tryptophan.
Molecular consequence: missense variant. On other transcripts: intron variant (3).
Genome position (GRCh38, 1-based): chr2:178,682,838, G>A on the plus strand (C>T on the coding strand, the complement: TTN is on the minus strand). VCF-style: chr2-178682838-G-A. GRCh37 (hg19) VCF-style: chr2-179547565-G-A.
Other names: c.32002C>T, p.Arg10668Trp (NM_001256850.1); c.29221C>T, p.Arg9741Trp (NM_133378.4); c.13283-40521C>T (NM_003319.4); c.13859-40521C>T (NM_133437.4); c.13658-40521C>T (NM_133432.3); short protein forms R10985W, R9741W, R10668W.
Identifiers: ClinVar variation 178226 (VCV000178226.29), dbSNP rs201991864, ClinGen allele CA181838.
Genomic context (GRCh38, chr2:178,682,838, plus strand): 5'-GTTCATACTCCTCAAATTCTTTATAATCATATTCTTCATATTCCTCATATTCTTCTTCCC[G>A]TTGTACTGAAACAGCTTCTTCTTCTAGGGTATAAGCCCTTTCTTTCTCTTCCATTATAGT-3'
Protein context (NP_001254479.2, residues 10975-10995): TLEEEAVSVQ[Arg10985Trp]EEEYEEYEEY